The following is an entry in ClinVar:

ClinVar aggregate classification (germline): Uncertain significance (1 of 4 stars; one submission).

gnomAD v4.1: 15 of 1,614,134 alleles (0.00093%); highest among the groups gnomAD compares: Non-Finnish European, 0.000085%; no homozygotes.

Submission:

Labcorp Genetics (formerly Invitae), Labcorp
Classification: Uncertain significance. Last evaluated: 2025-06-17. Review status: criteria provided, single submitter. Criteria: Invitae Variant Classification Sherloc (09022015). Collection method: clinical testing. Allele origin: germline.
Comment: This sequence change replaces isoleucine, which is neutral and non-polar, with methionine, which is neutral and non-polar, at codon 658 of the LRRC8A protein (p.Ile658Met). This variant is present in population databases (rs541024052, gnomAD 0.04%). This variant has not been reported in the literature in individuals affected with LRRC8A-related conditions. ClinVar contains an entry for this variant (Variation ID: 2999229). An algorithm developed to predict the effect of missense changes on protein structure and function (PolyPhen-2) suggests that this variant is likely to be disruptive. In summary, the available evidence is currently insufficient to determine the role of this variant in disease. Therefore, it has been classified as a Variant of Uncertain Significance.

NM_019594.4(LRRC8A):c.1974C>G (p.Ile658Met)

Gene: LRRC8A (leucine rich repeat containing 8 VRAC subunit A; plus strand). Cytogenetic location: 9q34.11.
Variant type: single nucleotide variant.
Coding change: c.1974C>G on transcript NM_019594.4 (MANE Select); coding-DNA position 1974, C replaced by G.
Protein change: p.Ile658Met; replaces isoleucine 658 with methionine.
Molecular consequence: missense variant.
Genome position (GRCh38, 1-based): chr9:128,909,138, C>G. VCF-style: chr9-128909138-C-G. GRCh37 (hg19) VCF-style: chr9-131671417-C-G.
Other names: c.1974C>G, p.Ile658Met (NM_001127244.2, NM_001127245.2); short protein forms I658M.
Identifiers: ClinVar variation 2999229 (VCV002999229.3), dbSNP rs541024052, ClinGen allele CA5270971.